The following is an entry in ClinVar:

ClinVar aggregate classification (germline): Benign/Likely benign. Review status: criteria provided, multiple submitters, no conflicts (2 of 4 stars). 5 submissions from 5 submitters: Benign (3); Likely benign (2). Last evaluated 2026-09-01.

Allele frequency attached by ClinVar (database versions not stated): gnomAD exomes 0.00016 and 0.00048; ExAC 0.00060; 1000 Genomes Project 30x 0.00156; 1000 Genomes Project 0.00180; gnomAD 0.00191 and 0.00214; ESP Exome Variant Server 0.00192; TOPMed 0.00235.
gnomAD v4.1: 539 of 1,613,896 alleles (0.033%); highest among the groups gnomAD compares: African/African-American, 0.63%; 3 homozygotes.

Submissions (5):

CeGaT Center for Human Genetics Tuebingen
Classification: Likely benign. Last evaluated: 2026-09-01. Review status: criteria provided, single submitter. Criteria: CeGaT Center For Human Genetics Tuebingen Variant Classification Criteria Version 2. Collection method: clinical testing. Allele origin: germline. Affected: yes. Observed: 2 variant alleles.
Comment: COQ8A: BP4, BP7

Labcorp Genetics (formerly Invitae), Labcorp
Classification: Benign. Last evaluated: 2025-12-21. Review status: criteria provided, single submitter. Criteria: Invitae Variant Classification Sherloc (09022015). Collection method: clinical testing. Allele origin: germline.

Blueprint Genetics
Classification: Likely benign. Last evaluated: 2023-07-17. Review status: criteria provided, single submitter. Criteria: ACMG Guidelines, 2015. Collection method: clinical testing. Allele origin: germline.

Athena Diagnostics
Classification: Benign. Last evaluated: 2020-02-20. Review status: criteria provided, single submitter. Criteria: Athena Diagnostics Criteria. Collection method: clinical testing. Allele origin: unknown.

GeneDx
Classification: Benign. Last evaluated: 2013-04-22. Review status: criteria provided, single submitter. Criteria: GeneDx Variant Classification (06012015). Collection method: clinical testing. Allele origin: germline. Affected: yes.
Comment: This variant is considered likely benign or benign based on one or more of the following criteria: it is a conservative change, it occurs at a poorly conserved position in the protein, it is predicted to be benign by multiple in silico algorithms, and/or has population frequency not consistent with disease.

NM_020247.5(COQ8A):c.78C>T (p.His26=)

Gene: COQ8A (coenzyme Q8A; plus strand). Cytogenetic location: 1q42.13.
Variant type: single nucleotide variant.
Coding change: c.78C>T on transcript NM_020247.5 (MANE Select); coding-DNA position 78, C replaced by T.
Protein change: p.His26=; no amino-acid change (histidine 26 retained).
Molecular consequence: synonymous variant.
Genome position (GRCh38, 1-based): chr1:226,961,463, C>T. VCF-style: chr1-226961463-C-T. GRCh37 (hg19) VCF-style: chr1-227149164-C-T.
Other names: p.H26H:CAC>CAT.
Identifiers: ClinVar variation 136296 (VCV000136296.14), dbSNP rs150541057, ClinGen allele CA289298.